The following is an entry in ClinVar:

ClinVar aggregate classification (germline): Benign. Review status: criteria provided, multiple submitters, no conflicts (2 of 4 stars). 5 submissions from 5 submitters: Benign (5). Last evaluated 2023-11-29.

Conditions:
Telangiectasia, hereditary hemorrhagic, type 2 (HHT2). Also called: Telangiectasia, hereditary hemorrhagic, type II; ACVRL1-Related Hereditary Hemorrhagic Telangiectasia. Identifiers: Orphanet 774, MedGen C1838163, MONDO:0010880, OMIM 600376. Disease mechanism: loss of function.

Allele frequency attached by ClinVar (database versions not stated): 1000 Genomes Project 30x 0.06215; 1000 Genomes Project 0.06410; ESP Exome Variant Server 0.07620; TOPMed 0.07678; gnomAD 0.07710 and 0.07716; gnomAD exomes 0.08382; ExAC 0.08605.
gnomAD v4.1: 130,563 of 1,611,008 alleles (8.1%); highest among the groups gnomAD compares: East Asian, 12%; 5,581 homozygotes.

Submissions (5):

ARUP Laboratories, Molecular Genetics and Genomics, ARUP Laboratories
Classification: Benign for Telangiectasia, hereditary hemorrhagic, type 2. Last evaluated: 2023-11-29. Review status: criteria provided, single submitter. Criteria: ARUP Molecular Germline Variant Investigation Process 2024. Collection method: clinical testing. Allele origin: germline.

Blueprint Genetics
Classification: Benign. Last evaluated: 2023-03-24. Review status: criteria provided, single submitter. Criteria: ACMG Guidelines, 2015. Collection method: clinical testing. Allele origin: germline.

Genome-Nilou Lab
Classification: Benign for Telangiectasia, hereditary hemorrhagic, type 2. Last evaluated: 2021-12-05. Review status: criteria provided, single submitter. Criteria: ACMG Guidelines, 2015. Collection method: clinical testing. Allele origin: germline. Affected: no.

GeneDx
Classification: Benign. Last evaluated: 2013-10-22. Review status: criteria provided, single submitter. Criteria: GeneDx Variant Classification (06012015). Collection method: clinical testing. Allele origin: germline. Affected: yes.
Comment: This variant is considered likely benign or benign based on one or more of the following criteria: it is a conservative change, it occurs at a poorly conserved position in the protein, it is predicted to be benign by multiple in silico algorithms, and/or has population frequency not consistent with disease.

Breakthrough Genomics
Classification: Benign. Review status: criteria provided, single submitter. Criteria: ACMG Guidelines, 2015. Collection method: not provided. Allele origin: germline. Inheritance: Autosomal dominant inheritance. Affected: yes.

NM_000020.3(ACVRL1):c.-5-33C>T

Gene: ACVRL1 (activin A receptor like type 1; plus strand). Cytogenetic location: 12q13.13.
Variant type: single nucleotide variant.
Coding change: c.-5-33C>T on transcript NM_000020.3 (MANE Select); 33 bases into the intron before 5 bases upstream of the start codon, C replaced by T.
Molecular consequence: intron variant. On other transcripts: 5 prime UTR variant (1).
Genome position (GRCh38, 1-based): chr12:51,912,437, C>T. VCF-style: chr12-51912437-C-T. GRCh37 (hg19) VCF-style: chr12-52306221-C-T.
Other names: c.-38C>T (NM_001077401.2).
Identifiers: ClinVar variation 136292 (VCV000136292.15), dbSNP rs2277382, ClinGen allele CA289293.